The following is an entry in ClinVar:

NM_032603.5(LOXL3):c.765C>A (p.Leu255=)

Gene: LOXL3 (lysyl oxidase like 3; minus strand). Cytogenetic location: 2p13.1.
Variant type: single nucleotide variant.
Coding change: c.765C>A on transcript NM_032603.5 (MANE Select); coding-DNA position 765, C replaced by A.
Protein change: p.Leu255=; no amino-acid change (leucine 255 retained).
Molecular consequence: synonymous variant. On other transcripts: intron variant (2).
Genome position (GRCh38, 1-based): chr2:74,536,856, G>T on the plus strand (C>A on the coding strand, the complement: LOXL3 is on the minus strand). VCF-style: chr2-74536856-G-T. GRCh37 (hg19) VCF-style: chr2-74763983-G-T.
Other names: c.478-385C>A (NM_001289164.3); c.-171-385C>A (NM_001289165.2).
Identifiers: ClinVar variation 3348830 (VCV003348830.1).

ClinVar aggregate classification (germline): Likely benign (0 of 4 stars; one submission).

Conditions:
LOXL3-related disorder. Also called: LOXL3-related condition.

Submission:

PreventionGenetics, part of Exact Sciences
Classification: Likely benign for LOXL3-related condition. Last evaluated: 2024-03-28. Review status: no assertion criteria provided. Collection method: clinical testing. Allele origin: germline.
Comment: This variant is classified as likely benign based on ACMG/AMP sequence variant interpretation guidelines (Richards et al. 2015 PMID: 25741868, with internal and published modifications).